The following is an entry in ClinVar:

NM_004991.4(MECOM):c.2331G>A (p.Met777Ile)

Gene: MECOM (MDS1 and EVI1 complex locus; minus strand). Cytogenetic location: 3q26.2.
Variant type: single nucleotide variant.
Coding change: c.2331G>A on transcript NM_004991.4 (MANE Select); coding-DNA position 2331, G replaced by A.
Protein change: p.Met777Ile; replaces methionine 777 with isoleucine.
Molecular consequence: missense variant.
Genome position (GRCh38, 1-based): chr3:169,115,541, C>T on the plus strand (G>A on the coding strand, the complement: MECOM is on the minus strand). VCF-style: chr3-169115541-C-T. GRCh37 (hg19) VCF-style: chr3-168833329-C-T.
Other names: c.1962G>A, p.Met654Ile (NM_001105077.4); c.1767G>A, p.Met589Ile (NM_001105078.4, NM_001164000.2, NM_001205194.2 and 4 more transcripts); c.1770G>A, p.Met590Ile (NM_001163999.2, NM_001366467.2, NM_001366468.2 and 1 more transcripts); c.2331G>A, p.Met777Ile (NM_001366466.2); c.1359G>A, p.Met453Ile (NM_001366473.2); c.795G>A, p.Met265Ile (NM_001366474.2); short protein forms M265I, M453I, M589I, M590I, M654I, M777I.
Identifiers: ClinVar variation 4859703 (VCV004859703.1).

ClinVar aggregate classification (germline): Uncertain significance (1 of 4 stars; one submission).

Conditions:
Inborn genetic diseases. Identifiers: MedGen C0950123, MeSH D030342.

gnomAD v4.1: 6 of 1,614,132 alleles (0.00037%); highest among the groups gnomAD compares: Non-Finnish European, 0.00051%; no homozygotes.

Submission:

Ambry Genetics
Classification: Uncertain significance for Inborn genetic diseases. Last evaluated: 2026-03-24. Review status: criteria provided, single submitter. Criteria: Ambry Variant Classification Scheme 2023. Collection method: clinical testing. Allele origin: germline.
Comment: The p.M777I variant (also known as c.2331G>A), located in coding exon 8 of the MECOM gene, results from a G to A substitution at nucleotide position 2331. The methionine at codon 777 is replaced by isoleucine, an amino acid with highly similar properties. This amino acid position is conserved. In addition, this alteration is predicted to be tolerated by in silico analysis. Based on the available evidence, the clinical significance of this variant remains unclear.